The following is an entry in ClinVar:

ClinVar aggregate classification (germline): Uncertain significance. Review status: criteria provided, single submitter (1 of 4 stars). 2 submissions from 2 submitters: Uncertain significance (1). 1 of the submissions does not count toward it. Last evaluated 2024-12-03.

Conditions:
Isovaleryl-CoA dehydrogenase deficiency (IVA). Also called: Classic Isovaleric Acidemia; ISOVALERIC ACID CoA DEHYDROGENASE DEFICIENCY; Isovaleric acidemia; IVD DEFICIENCY. Identifiers: Orphanet 33, MedGen C0268575, MONDO:0009475, OMIM 243500.

Allele frequency attached by ClinVar (database versions not stated): gnomAD exomes 0.00001 and 0.00002; ExAC 0.00002; TOPMed 0.00002.
gnomAD v4.1: 11 of 1,611,470 alleles (0.00068%); highest among the groups gnomAD compares: African/African-American, 0.0053%; no homozygotes.

Submissions (2):

Labcorp Genetics (formerly Invitae), Labcorp
Classification: Uncertain significance for Isovaleryl-CoA dehydrogenase deficiency. Last evaluated: 2024-12-03. Review status: criteria provided, single submitter. Criteria: Invitae Variant Classification Sherloc (09022015). Collection method: clinical testing. Allele origin: germline.
Comment: This sequence change affects the initiator methionine of the IVD mRNA. The next in-frame methionine is located at codon 4. This variant is present in population databases (rs566691073, gnomAD 0.007%). This variant has not been reported in the literature in individuals affected with IVD-related conditions. ClinVar contains an entry for this variant (Variation ID: 551816). Experimental studies and prediction algorithms are not available or were not evaluated, and the functional significance of this variant is currently unknown. In summary, the available evidence is currently insufficient to determine the role of this variant in disease. Therefore, it has been classified as a Variant of Uncertain Significance.

Counsyl
Classification: Likely pathogenic for Isovaleryl-CoA dehydrogenase deficiency. Last evaluated: 2017-05-08. Review status: no assertion criteria provided. Collection method: clinical testing. Allele origin: unknown. Not counted in ClinVar's aggregate classification.

Literature cited by the submitters: PubMed 2318964 (cited by Counsyl); PubMed 1310317 (cited by Counsyl).

NM_002225.5(IVD):c.-8T>C

Gene: IVD (isovaleryl-CoA dehydrogenase; plus strand). Cytogenetic location: 15q15.1.
Variant type: single nucleotide variant.
Coding change: c.-8T>C on transcript NM_002225.5 (MANE Select); 8 bases upstream of the start codon, T replaced by C.
Molecular consequence: 5 prime UTR variant. On other transcripts: non-coding transcript variant (1).
Genome position (GRCh38, 1-based): chr15:40,405,820, T>C. VCF-style: chr15-40405820-T-C. GRCh37 (hg19) VCF-style: chr15-40698021-T-C.
Other names: c.-8T>C (NM_001159508.3, NM_001354598.3, NM_001354599.3 and 2 more transcripts); c.-435T>C (NM_001354597.3).
Identifiers: ClinVar variation 551816 (VCV000551816.5), dbSNP rs566691073, ClinGen allele CA7480455.